The following is an entry in ClinVar:

NM_017780.4(CHD7):c.4032_4033dup (p.Arg1345fs)

Gene: CHD7 (chromodomain helicase DNA binding protein 7; plus strand). Cytogenetic location: 8q12.2.
Variant type: Duplication.
Coding change: c.4032_4033dup on transcript NM_017780.4 (MANE Select); coding-DNA positions 4032 to 4033, 2 bases duplicated (CC; older notation c.4032_4033dupCC).
Protein change: p.Arg1345fs; shifts the reading frame from arginine 1345.
Molecular consequence: frameshift variant. On other transcripts: intron variant (1).
Genome position (GRCh38, 1-based): chr8:60,836,859-60,836,860, CC duplicated. VCF-style (leftmost placement, unchanged base first): chr8-60836858-T-TCC. GRCh37 (hg19) VCF-style: chr8-61749417-T-TCC.
Other names: c.1717-25370_1717-25369dup (NM_001316690.1); short protein forms R1345fs.
Identifiers: ClinVar variation 4714062 (VCV004714062.1).

ClinVar aggregate classification (germline): Pathogenic (1 of 4 stars; one submission).

Conditions:
CHARGE syndrome (CHARGE). Also called: Hittner Hirsch Kreh syndrome; CHARGE ASSOCIATION--COLOBOMA, HEART ANOMALY, CHOANAL ATRESIA, RETARDATION, GENITAL AND EAR ANOMALIES; Coloboma, heart anomaly, choanal atresia, retardation, genital and ear anomalies; CHARGE association; Hall-Hittner syndrome. Identifiers: Orphanet 138, MedGen C0265354, MONDO:0008965.

Submission:

Labcorp Genetics (formerly Invitae), Labcorp
Classification: Pathogenic for CHARGE syndrome. Last evaluated: 2025-02-27. Review status: criteria provided, single submitter. Criteria: Invitae Variant Classification Sherloc (09022015). Collection method: clinical testing. Allele origin: germline.
Comment: This sequence change creates a premature translational stop signal (p.Arg1345Profs*28) in the CHD7 gene. It is expected to result in an absent or disrupted protein product. Loss-of-function variants in CHD7 are known to be pathogenic (PMID: 22461308, 25077900). This variant is not present in population databases (gnomAD no frequency). This variant has not been reported in the literature in individuals affected with CHD7-related conditions. For these reasons, this variant has been classified as Pathogenic.

Literature cited by the submitters: PubMed 22461308; PubMed 25077900.